The following is an entry in ClinVar:

NM_001458.5(FLNC):c.2550+1G>C

Gene: FLNC (filamin C; plus strand). Cytogenetic location: 7q32.1.
Variant type: single nucleotide variant.
Coding change: c.2550+1G>C on transcript NM_001458.5 (MANE Select); the canonical splice donor site of the intron after coding-DNA position 2550, G replaced by C.
Molecular consequence: splice donor variant.
Genome position (GRCh38, 1-based): chr7:128,842,955, G>C. VCF-style: chr7-128842955-G-C. GRCh37 (hg19) VCF-style: chr7-128483009-G-C.
Other names: c.2550+1G>C (NM_001127487.2, NM_001458.4).
Identifiers: ClinVar variation 2107538 (VCV002107538.5), dbSNP rs1474115309, ClinGen allele CA369192098.

ClinVar aggregate classification (germline): Likely pathogenic. Review status: criteria provided, multiple submitters, no conflicts (2 of 4 stars). 2 submissions from 2 submitters: Likely pathogenic (2). Last evaluated 2024-10-21.

Conditions:
Myofibrillar myopathy 5. Also called: Filaminopathy (type); FILAMINOPATHY, AUTOSOMAL DOMINANT. Identifiers: Orphanet 171445, MedGen C1836050, MONDO:0012289, OMIM 609524.
Distal myopathy with posterior leg and anterior hand involvement. Also called: WILLIAMS DISTAL MYOPATHY. Identifiers: Orphanet 63273, MedGen C3279722, MONDO:0013550, OMIM 614065.
Hypertrophic cardiomyopathy 26. Also called: Cardiomyopathy, familial hypertrophic, 26. Identifiers: Orphanet 75249, MedGen C4310749, MONDO:0014883, OMIM 617047.
Cardiovascular phenotype. Identifiers: MedGen CN230736.

gnomAD v4.1: 1 of 1,613,838 alleles (0.000062%); highest among the groups gnomAD compares: South Asian, 0.0011%; no homozygotes.

Submissions (2):

Labcorp Genetics (formerly Invitae), Labcorp
Classification: Likely pathogenic for Distal myopathy with posterior leg and anterior hand involvement; Myofibrillar myopathy 5; Hypertrophic cardiomyopathy 26. Last evaluated: 2024-10-21. Review status: criteria provided, single submitter. Criteria: Invitae Variant Classification Sherloc (09022015). Collection method: clinical testing. Allele origin: germline.
Comment: This sequence change affects a donor splice site in intron 16 of the FLNC gene. It is expected to disrupt RNA splicing. Variants that disrupt the donor or acceptor splice site typically lead to a loss of protein function (PMID: 16199547), and loss-of-function variants in FLNC are known to be pathogenic (PMID: 27908349). This variant is present in population databases (no rsID available, gnomAD 0.003%). This variant has not been reported in the literature in individuals affected with FLNC-related conditions. ClinVar contains an entry for this variant (Variation ID: 2107538). Algorithms developed to predict the effect of sequence changes on RNA splicing suggest that this variant may disrupt the consensus splice site. In summary, the currently available evidence indicates that the variant is pathogenic, but additional data are needed to prove that conclusively. Therefore, this variant has been classified as Likely Pathogenic.

Ambry Genetics
Classification: Likely pathogenic for Cardiovascular phenotype. Last evaluated: 2023-12-29. Review status: criteria provided, single submitter. Criteria: Ambry Variant Classification Scheme 2023. Collection method: clinical testing. Allele origin: germline.
Comment: The c.2550+1G>C intronic variant results from a G to C substitution one nucleotide after coding exon 16 of the FLNC gene. This variant is considered to be rare based on population cohorts in the Genome Aggregation Database (gnomAD). This nucleotide position is highly conserved in available vertebrate species. In silico splice site analysis predicts that this alteration will weaken the native splice donor site and will result in the creation or strengthening of a novel splice donor site. Alterations that disrupt the canonical splice site are expected to cause aberrant splicing, resulting in an abnormal protein or a transcript that is subject to nonsense-mediated mRNA decay. Based on the supporting evidence, this variant is expected to be causative of dilated cardiomyopathy; however, its clinical significance for hypertrophic/restrictive cardiomyopathy and/or skeletal myopathy is unclear.

Literature cited by the submitters: PubMed 16199547 (cited by Labcorp Genetics (formerly Invitae), Labcorp); PubMed 27908349 (cited by Labcorp Genetics (formerly Invitae), Labcorp).